The following is an entry in ClinVar:

ClinVar aggregate classification (germline): Conflicting classifications of pathogenicity. Review status: criteria provided, conflicting classifications (1 of 4 stars). 4 submissions from 4 submitters: Uncertain significance (1); Benign (1); Likely benign (2). Last evaluated 2026-07-01.

Conditions:
SLC19A3-related disorder. Also called: SLC19A3-related condition.
Biotin-responsive basal ganglia disease (BTBGD). Also called: Thiamine metabolism dysfunction syndrome type 2; Thiamine metabolism dysfunction syndrome 2 (biotin- or thiamine-responsive encephalopathy type 2); THIAMINE METABOLISM DYSFUNCTION SYNDROME 2 (BIOTIN- AND THIAMINE-RESPONSIVE TYPE); Thiamine Transporter-2 Deficiency; thiamine-responsive encephalopathy. Identifiers: Orphanet 199348, Orphanet 65284, MedGen C1843807, MONDO:0011841, OMIM 607483.

Allele frequency attached by ClinVar (database versions not stated): gnomAD below 0.00001 and 0.00007; TOPMed 0.00002; gnomAD exomes 0.00015 and 0.00028; 1000 Genomes Project 30x 0.00031; 1000 Genomes Project 0.00040; ExAC 0.00040.
gnomAD v4.1: 230 of 1,614,186 alleles (0.014%); highest among the groups gnomAD compares: South Asian, 0.24%; 6 homozygotes.

Submissions (4):

CeGaT Center for Human Genetics Tuebingen
Classification: Likely benign. Last evaluated: 2026-07-01. Review status: criteria provided, single submitter. Criteria: CeGaT Center For Human Genetics Tuebingen Variant Classification Criteria Version 2. Collection method: clinical testing. Allele origin: germline. Affected: yes. Observed: 1 variant allele.
Comment: SLC19A3: BP4

Labcorp Genetics (formerly Invitae), Labcorp
Classification: Benign for Biotin-responsive basal ganglia disease. Last evaluated: 2026-01-28. Review status: criteria provided, single submitter. Criteria: Invitae Variant Classification Sherloc (09022015). Collection method: clinical testing. Allele origin: germline.

PreventionGenetics, part of Exact Sciences
Classification: Likely benign for SLC19A3-related condition. Last evaluated: 2025-01-06. Review status: criteria provided, single submitter. Criteria: ACMG Guidelines, 2015. Collection method: clinical testing. Allele origin: germline.
Comment: This variant is classified as likely benign based on ACMG/AMP sequence variant interpretation guidelines (Richards et al. 2015 PMID: 25741868, with internal and published modifications).

Illumina Laboratory Services, Illumina
Classification: Uncertain significance for Biotin-responsive basal ganglia disease. Last evaluated: 2018-01-13. Review status: criteria provided, single submitter. Criteria: ICSL Variant Classification Criteria 13 December 2019. Collection method: clinical testing. Allele origin: germline.

NM_025243.4(SLC19A3):c.360G>A (p.Glu120=)

Gene: SLC19A3 (solute carrier family 19 member 3; minus strand). Cytogenetic location: 2q36.3.
Variant type: single nucleotide variant.
Coding change: c.360G>A on transcript NM_025243.4 (MANE Select); coding-DNA position 360, G replaced by A.
Protein change: p.Glu120=; no amino-acid change (glutamic acid 120 retained).
Molecular consequence: synonymous variant.
Genome position (GRCh38, 1-based): chr2:227,699,355, C>T on the plus strand (G>A on the coding strand, the complement: SLC19A3 is on the minus strand). VCF-style: chr2-227699355-C-T. GRCh37 (hg19) VCF-style: chr2-228564071-C-T.
Other names: c.360G>A, p.Glu120= (NM_001371411.1, NM_001371412.1); c.348G>A, p.Glu116= (NM_001371413.1, NM_001371414.1).
Identifiers: ClinVar variation 897180 (VCV000897180.15), dbSNP rs566837952, ClinGen allele CA2149319.